The following is an entry in ClinVar:

ClinVar aggregate classification (germline): Likely benign. Review status: criteria provided, multiple submitters, no conflicts (2 of 4 stars). 2 submissions from 2 submitters: Likely benign (2). Last evaluated 2023-09-01.

Allele frequency attached by ClinVar (database versions not stated): gnomAD 0.00002; gnomAD exomes 0.00002 and 0.00004; TOPMed 0.00003; ExAC 0.00004.
gnomAD v4.1: 53 of 1,595,648 alleles (0.0033%); highest among the groups gnomAD compares: Non-Finnish European, 0.0041%; no homozygotes.

Submissions (2):

CeGaT Center for Human Genetics Tuebingen
Classification: Likely benign. Last evaluated: 2023-09-01. Review status: criteria provided, single submitter. Criteria: CeGaT Center For Human Genetics Tuebingen Variant Classification Criteria Version 2. Collection method: clinical testing. Allele origin: germline. Affected: yes. Observed: 1 variant allele.
Comment: HERC2: BP4, BP7

Labcorp Genetics (formerly Invitae), Labcorp
Classification: Likely benign. Last evaluated: 2017-08-09. Review status: criteria provided, single submitter. Criteria: Invitae Variant Classification Sherloc (09022015). Collection method: clinical testing. Allele origin: germline.

NM_004667.6(HERC2):c.6009C>T (p.Ser2003=)

Gene: HERC2 (HECT and RLD domain containing E3 ubiquitin protein ligase 2; minus strand). Cytogenetic location: 15q13.1.
Variant type: single nucleotide variant.
Coding change: c.6009C>T on transcript NM_004667.6 (MANE Select); coding-DNA position 6009, C replaced by T.
Protein change: p.Ser2003=; no amino-acid change (serine 2003 retained).
Molecular consequence: synonymous variant.
Genome position (GRCh38, 1-based): chr15:28,218,508, G>A on the plus strand (C>T on the coding strand, the complement: HERC2 is on the minus strand). VCF-style: chr15-28218508-G-A. GRCh37 (hg19) VCF-style: chr15-28463654-G-A.
Identifiers: ClinVar variation 709939 (VCV000709939.27), dbSNP rs780534474, ClinGen allele CA7442203.